The following is an entry in ClinVar:

NM_032444.4(SLX4):c.1684-1G>A

Gene: SLX4 (SLX4 structure-specific endonuclease subunit; minus strand). Cytogenetic location: 16p13.3.
Variant type: single nucleotide variant.
Coding change: c.1684-1G>A on transcript NM_032444.4 (MANE Select); the canonical splice acceptor site of the intron before coding-DNA position 1684, G replaced by A.
Molecular consequence: splice acceptor variant.
Genome position (GRCh38, 1-based): chr16:3,596,394, C>T on the plus strand (G>A on the coding strand, the complement: SLX4 is on the minus strand). VCF-style: chr16-3596394-C-T. GRCh37 (hg19) VCF-style: chr16-3646395-C-T.
Other names: c.1684-1G>A (NM_032444.3).
Identifiers: ClinVar variation 1982926 (VCV001982926.6), dbSNP rs1294650594, ClinGen allele CA394527893.

ClinVar aggregate classification (germline): Likely pathogenic. Review status: criteria provided, multiple submitters, no conflicts (2 of 4 stars). 3 submissions from 3 submitters: Likely pathogenic (3). Last evaluated 2026-06-25.

Conditions:
Fanconi anemia (FA). Also called: Fanconi's anemia. Identifiers: Orphanet 84, MedGen C0015625, MeSH D005199, MONDO:0019391.
SLX4-related disorder. Also called: SLX4-related condition.
Fanconi anemia complementation group P. Also called: SLX4-Related Fanconi Anemia. Identifiers: Orphanet 84, MedGen C3469542, MONDO:0013499, OMIM 613951.

Allele frequency attached by ClinVar (database versions not stated): TOPMed below 0.00001; gnomAD exomes 0.00001.
gnomAD v4.1: 14 of 1,590,034 alleles (0.00088%); highest among the groups gnomAD compares: Non-Finnish European, 0.0012%; no homozygotes.

Submissions (3):

PreventionGenetics, part of Exact Sciences
Classification: Likely pathogenic for SLX4-related condition. Last evaluated: 2026-06-25. Review status: criteria provided, single submitter. Criteria: ACMG Guidelines, 2015. Collection method: clinical testing. Allele origin: germline.
Comment: The SLX4 c.1684-1G>A variant is predicted to disrupt the AG splice acceptor site and interfere with normal splicing. This variant has been reported in a cohort study of individuals with high grade serous histotype ovarian cancer (Suppl. Table 3, Song et al. 2021. PubMed ID: 32546565). This variant is reported in 0.0010% of alleles in individuals of European (Non-Finnish) descent in gnomAD. Variants that disrupt the consensus splice acceptor site in SLX4 are expected to be pathogenic. This variant is interpreted as likely pathogenic.

Labcorp Genetics (formerly Invitae), Labcorp
Classification: Likely pathogenic for Fanconi anemia. Last evaluated: 2025-02-06. Review status: criteria provided, single submitter. Criteria: Invitae Variant Classification Sherloc (09022015). Collection method: clinical testing. Allele origin: germline.
Comment: This sequence change affects an acceptor splice site in intron 7 of the SLX4 gene. It is expected to disrupt RNA splicing. Variants that disrupt the donor or acceptor splice site typically lead to a loss of protein function (PMID: 16199547), and loss-of-function variants in SLX4 are known to be pathogenic (PMID: 21240277). The frequency data for this variant in the population databases is considered unreliable, as metrics indicate poor data quality at this position in the gnomAD database. Disruption of this splice site has been observed in individual(s) with ovarian cancer (PMID: 32546565). ClinVar contains an entry for this variant (Variation ID: 1982926). Algorithms developed to predict the effect of sequence changes on RNA splicing suggest that this variant may disrupt the consensus splice site. In summary, the currently available evidence indicates that the variant is pathogenic, but additional data are needed to prove that conclusively. Therefore, this variant has been classified as Likely Pathogenic.

Baylor Genetics
Classification: Likely pathogenic for Fanconi anemia complementation group P. Last evaluated: 2024-03-27. Review status: criteria provided, single submitter. Criteria: ACMG Guidelines, 2015. Collection method: clinical testing. Allele origin: unknown.

Literature cited by the submitters: PubMed 16199547 (cited by Labcorp Genetics (formerly Invitae), Labcorp); PubMed 21240277 (cited by Labcorp Genetics (formerly Invitae), Labcorp); PubMed 32546565 (cited by Labcorp Genetics (formerly Invitae), Labcorp).